The following is an entry in ClinVar:

ClinVar aggregate classification (germline): Pathogenic. Review status: criteria provided, multiple submitters, no conflicts (2 of 4 stars). 3 submissions from 3 submitters: Pathogenic (2). 1 of the submissions does not count toward it. Last evaluated 2025-07-08.

Conditions:
Microcephaly 5, primary, autosomal recessive (MCPH5). Also called: ASPM Primary Microcephaly. Identifiers: Orphanet 2512, MedGen C1837501, MONDO:0012106, OMIM 608716.

gnomAD v4.1: 11 of 1,612,608 alleles (0.00068%); highest among the groups gnomAD compares: African/African-American, 0.0013%; no homozygotes.

Submissions (3):

GeneDx
Classification: Pathogenic. Last evaluated: 2025-07-08. Review status: criteria provided, single submitter. Criteria: GeneDx Variant Classification Process June 2021. Collection method: clinical testing. Allele origin: germline.
Comment: Reported in 2 siblings with MCPH (PMID: 29243349); Nonsense variant predicted to result in protein truncation or nonsense mediated decay in a gene for which loss of function is a known mechanism of disease; Not observed at significant frequency in large population cohorts (gnomAD); This variant is associated with the following publications: (PMID: 37599996, 29243349)

Labcorp Genetics (formerly Invitae), Labcorp
Classification: Pathogenic. Last evaluated: 2022-09-06. Review status: criteria provided, single submitter. Criteria: Invitae Variant Classification Sherloc (09022015). Collection method: clinical testing. Allele origin: germline.
Comment: ClinVar contains an entry for this variant (Variation ID: 632095). For these reasons, this variant has been classified as Pathogenic. This sequence change creates a premature translational stop signal (p.Gln2307*) in the ASPM gene. It is expected to result in an absent or disrupted protein product. Loss-of-function variants in ASPM are known to be pathogenic (PMID: 19028728, 23611254). This variant is present in population databases (no rsID available, gnomAD 0.007%). This premature translational stop signal has been observed in individual(s) with autosomal recessive primary microcephaly (PMID: 29243349).

Service de Génétique Moléculaire, Hôpital Robert Debré
Classification: Pathogenic for Microcephaly 5, primary, autosomal recessive. Review status: no assertion criteria provided. Collection method: clinical testing. Allele origin: unknown. Affected: yes. Not counted in ClinVar's aggregate classification.

Literature cited by the submitters: PubMed 19028728 (cited by Labcorp Genetics (formerly Invitae), Labcorp); PubMed 23611254 (cited by Labcorp Genetics (formerly Invitae), Labcorp); PubMed 29243349 (cited by Labcorp Genetics (formerly Invitae), Labcorp).

NM_018136.5(ASPM):c.6919C>T (p.Gln2307Ter)

Gene: ASPM (assembly factor for spindle microtubules; minus strand). Cytogenetic location: 1q31.3.
Variant type: single nucleotide variant.
Coding change: c.6919C>T on transcript NM_018136.5 (MANE Select); coding-DNA position 6919, C replaced by T.
Protein change: p.Gln2307Ter; replaces glutamine 2307 with a stop codon.
Molecular consequence: nonsense. On other transcripts: intron variant (1).
Genome position (GRCh38, 1-based): chr1:197,102,332, G>A on the plus strand (C>T on the coding strand, the complement: ASPM is on the minus strand). VCF-style: chr1-197102332-G-A. GRCh37 (hg19) VCF-style: chr1-197071462-G-A.
Other names: c.4066-6168C>T (NM_001206846.2); short protein forms Q2307*.
Identifiers: ClinVar variation 632095 (VCV000632095.12), dbSNP rs142865061, ClinGen allele CA344020982.